The following is an entry in ClinVar:

NM_015602.4(TOR1AIP1):c.1604T>C (p.Phe535Ser)

Gene: TOR1AIP1 (torsin 1A interacting protein 1; plus strand). Cytogenetic location: 1q25.2.
Variant type: single nucleotide variant.
Coding change: c.1604T>C on transcript NM_015602.4 (MANE Select); coding-DNA position 1604, T replaced by C.
Protein change: p.Phe535Ser; replaces phenylalanine 535 with serine.
Molecular consequence: missense variant.
Genome position (GRCh38, 1-based): chr1:179,918,091, T>C. VCF-style: chr1-179918091-T-C. GRCh37 (hg19) VCF-style: chr1-179887226-T-C.
Other names: c.1607T>C, p.Phe536Ser (NM_001267578.2); short protein forms F535S, F536S.
Identifiers: ClinVar variation 855704 (VCV000855704.1), dbSNP rs1649081168, ClinGen allele CA343576410.

ClinVar aggregate classification (germline): Uncertain significance (1 of 4 stars; one submission).

Conditions:
Autosomal recessive limb-girdle muscular dystrophy type 2Y (MRRSDC). Also called: Muscular dystrophy, limb-girdle, type 2y; Muscular dystrophy, autosomal recessive, with rigid spine and distal joint contractures. Identifiers: Orphanet 424261, MedGen C4511482, MONDO:0014900, OMIM 617072.

Allele frequency attached by ClinVar (database versions not stated): TOPMed below 0.00001.

Submission:

Labcorp Genetics (formerly Invitae), Labcorp
Classification: Uncertain significance for Muscular dystrophy, limb-girdle, type 2y. Last evaluated: 2019-11-26. Review status: criteria provided, single submitter. Criteria: Invitae Variant Classification Sherloc (09022015). Collection method: clinical testing. Allele origin: germline.
Comment: This sequence change replaces phenylalanine with serine at codon 536 of the TOR1AIP1 protein (p.Phe536Ser). The phenylalanine residue is moderately conserved and there is a large physicochemical difference between phenylalanine and serine. This variant is not present in population databases (ExAC no frequency). This variant has not been reported in the literature in individuals with TOR1AIP1-related conditions. Algorithms developed to predict the effect of missense changes on protein structure and function are either unavailable or do not agree on the potential impact of this missense change (SIFT: "Tolerated"; PolyPhen-2: "Probably Damaging"; Align-GVGD: "Class C15"). In summary, the available evidence is currently insufficient to determine the role of this variant in disease. Therefore, it has been classified as a Variant of Uncertain Significance.